The following is an entry in ClinVar:

NM_001364905.1(LRBA):c.6631A>G (p.Asn2211Asp)

Gene: LRBA (LPS responsive beige-like anchor protein; minus strand). Cytogenetic location: 4q31.3.
Variant type: single nucleotide variant.
Coding change: c.6631A>G on transcript NM_001364905.1 (MANE Select); coding-DNA position 6631, A replaced by G.
Protein change: p.Asn2211Asp; replaces asparagine 2211 with aspartic acid.
Molecular consequence: missense variant.
Genome position (GRCh38, 1-based): chr4:150,471,660, T>C on the plus strand (A>G on the coding strand, the complement: LRBA is on the minus strand). VCF-style: chr4-150471660-T-C. GRCh37 (hg19) VCF-style: chr4-151392812-T-C.
Other names: c.6631A>G, p.Asn2211Asp (NM_001199282.3, NM_001367550.1); c.6664A>G, p.Asn2222Asp (NM_006726.5); short protein forms N2211D, N2222D.
Identifiers: ClinVar variation 862564 (VCV000862564.9), dbSNP rs1756144820, ClinGen allele CA358606651.
Genomic context (GRCh38, chr4:150,471,660, plus strand): 5'-AATCAATACATGGAATTAGGTTACCTGCTATCGTGTTGAGAAACATCAAGTACTCAAAAT[T>C]AGATATCTCTCTGTGTTGCCATCGCTGGGTCATATTAGAAGCCTTAAAAAGCTGACGTGG-3'
Protein context (NP_001351834.1, residues 2201-2221): TQRWQHREIS[Asn2211Asp]FEYLMFLNTI

ClinVar aggregate classification (germline): Uncertain significance (1 of 4 stars; one submission).

Conditions:
Combined immunodeficiency due to LRBA deficiency. Also called: Common variable immunodeficiency 8, with autoimmunity. Identifiers: Orphanet 445018, MedGen C3553512, MONDO:0013863, OMIM 614700.

Submission:

Labcorp Genetics (formerly Invitae), Labcorp
Classification: Uncertain significance for Combined immunodeficiency due to LRBA deficiency. Last evaluated: 2019-12-03. Review status: criteria provided, single submitter. Criteria: Invitae Variant Classification Sherloc (09022015). Collection method: clinical testing. Allele origin: germline.
Comment: In summary, the available evidence is currently insufficient to determine the role of this variant in disease. Therefore, it has been classified as a Variant of Uncertain Significance. Algorithms developed to predict the effect of missense changes on protein structure and function are either unavailable or do not agree on the potential impact of this missense change (SIFT: "Deleterious"; PolyPhen-2: "Probably Damaging"; Align-GVGD: "Class C0"). This variant has not been reported in the literature in individuals with LRBA-related conditions. This variant is not present in population databases (ExAC no frequency). This sequence change replaces asparagine with aspartic acid at codon 2222 of the LRBA protein (p.Asn2222Asp). The asparagine residue is moderately conserved and there is a small physicochemical difference between asparagine and aspartic acid.